The following is an entry in ClinVar:

NM_000297.4(PKD2):c.1777T>C (p.Cys593Arg)

Gene: PKD2 (polycystin 2, transient receptor potential cation channel; plus strand). Cytogenetic location: 4q22.1.
Variant type: single nucleotide variant.
Coding change: c.1777T>C on transcript NM_000297.4 (MANE Select); coding-DNA position 1777, T replaced by C.
Protein change: p.Cys593Arg; replaces cysteine 593 with arginine.
Molecular consequence: missense variant. On other transcripts: non-coding transcript variant (1).
Genome position (GRCh38, 1-based): chr4:88,056,146, T>C. VCF-style: chr4-88056146-T-C. GRCh37 (hg19) VCF-style: chr4-88977298-T-C.
Other names: short protein forms C593R.
Identifiers: ClinVar variation 3655791 (VCV003655791.2).

ClinVar aggregate classification (germline): Uncertain significance (1 of 4 stars; one submission).

Conditions:
Autosomal dominant polycystic kidney disease. Identifiers: Orphanet 730, MedGen C0085413, MONDO:0004691.

Submission:

Labcorp Genetics (formerly Invitae), Labcorp
Classification: Uncertain significance for Autosomal dominant polycystic kidney disease. Last evaluated: 2024-06-15. Review status: criteria provided, single submitter. Criteria: Invitae Variant Classification Sherloc (09022015). Collection method: clinical testing. Allele origin: germline.
Comment: This sequence change replaces cysteine, which is neutral and slightly polar, with arginine, which is basic and polar, at codon 593 of the PKD2 protein (p.Cys593Arg). This variant is not present in population databases (gnomAD no frequency). This variant has not been reported in the literature in individuals affected with PKD2-related conditions. Advanced modeling of protein sequence and biophysical properties (such as structural, functional, and spatial information, amino acid conservation, physicochemical variation, residue mobility, and thermodynamic stability) performed at Invitae indicates that this missense variant is expected to disrupt PKD2 protein function with a positive predictive value of 80%. In summary, the available evidence is currently insufficient to determine the role of this variant in disease. Therefore, it has been classified as a Variant of Uncertain Significance.